The following is an entry in ClinVar:

NM_001134363.3(RBM20):c.1418C>T (p.Ala473Val)

Gene: RBM20 (RNA binding motif protein 20; plus strand). Cytogenetic location: 10q25.2.
Variant type: single nucleotide variant.
Coding change: c.1418C>T on transcript NM_001134363.3 (MANE Select); coding-DNA position 1418, C replaced by T.
Protein change: p.Ala473Val; replaces alanine 473 with valine.
Molecular consequence: missense variant.
Genome position (GRCh38, 1-based): chr10:110,784,421, C>T. VCF-style: chr10-110784421-C-T. GRCh37 (hg19) VCF-style: chr10-112544179-C-T.
Other names: short protein forms A473V.
Identifiers: ClinVar variation 165037 (VCV000165037.14), dbSNP rs727503387, ClinGen allele CA177696.
Genomic context (GRCh38, chr10:110,784,421, plus strand): 5'-TTGGTTCGGCAGAGGGAACATTGTGTGCTTCTCCCAACAGCACAGCTGTTTATAACCCTG[C>T]TGGGAATGAAGGTGAGCAAGGCCCTACAGGTCAGCAGCTTGAAGCAGAAGTGGGCTACCC-3'
Protein context (NP_001127835.2, residues 463-483): SPNSTAVYNP[Ala473Val]GNEDYASNLG

ClinVar aggregate classification (germline): Conflicting classifications of pathogenicity. Review status: criteria provided, conflicting classifications (1 of 4 stars). 4 submissions from 4 submitters: Uncertain significance (2); Likely benign (2). Last evaluated 2026-01-13.

Conditions:
Cardiovascular phenotype. Identifiers: MedGen CN230736.
Dilated cardiomyopathy 1DD (CMD1DD). Identifiers: Orphanet 154, MedGen C2750995, MONDO:0013168, OMIM 613172.

Allele frequency attached by ClinVar (database versions not stated): gnomAD exomes 0.00001; gnomAD 0.00009 and 0.00010; TOPMed 0.00012.
gnomAD v4.1: 24 of 1,550,998 alleles (0.0015%); highest among the groups gnomAD compares: African/African-American, 0.033%; no homozygotes.

Submissions (4):

Labcorp Genetics (formerly Invitae), Labcorp
Classification: Likely benign for Dilated cardiomyopathy 1DD. Last evaluated: 2026-01-13. Review status: criteria provided, single submitter. Criteria: Invitae Variant Classification Sherloc (09022015). Collection method: clinical testing. Allele origin: germline.

Ambry Genetics
Classification: Uncertain significance for Cardiovascular phenotype. Last evaluated: 2025-07-02. Review status: criteria provided, single submitter. Criteria: Ambry Variant Classification Scheme 2023. Collection method: clinical testing. Allele origin: germline.
Comment: The p.A473V variant (also known as c.1418C>T), located in coding exon 4 of the RBM20 gene, results from a C to T substitution at nucleotide position 1418. The alanine at codon 473 is replaced by valine, an amino acid with similar properties. This amino acid position is not well conserved in available vertebrate species. In addition, this alteration is predicted to be tolerated by in silico analysis. Since supporting evidence is limited at this time, the clinical significance of this alteration remains unclear.

GeneDx
Classification: Likely benign. Last evaluated: 2018-06-05. Review status: criteria provided, single submitter. Criteria: GeneDx Variant Classification (06012015). Collection method: clinical testing. Allele origin: germline. Affected: yes.
Comment: This variant is considered likely benign or benign based on one or more of the following criteria: it is a conservative change, it occurs at a poorly conserved position in the protein, it is predicted to be benign by multiple in silico algorithms, and/or has population frequency not consistent with disease.

Laboratory for Molecular Medicine, Mass General Brigham Personalized Medicine
Classification: Uncertain significance. Last evaluated: 2014-09-30. Review status: criteria provided, single submitter. Criteria: LMM Criteria. Collection method: clinical testing. Allele origin: germline. Observed: 1 variant allele.
Comment: The Ala473Val variant in RBM20 has not been previously reported in individuals w ith cardiomyopathy or in large population studies. Alanine (Ala) at position 473 is not conserved in mammals or evolutionarily distant species and the change to valine (Val) is present in horse, suggesting that this variant may be tolerated . Additional computational prediction tools suggest that the Ala473Val variant m ay not impact the protein, though this information is not predictive enough to r ule out pathogenicity. In summary, the clinical significance of the Ala473Val va riant is uncertain.